The following is an entry in ClinVar:

NM_001363118.2(SLC52A2):c.1324C>T (p.Pro442Ser)

Gene: SLC52A2 (solute carrier family 52 member 2; plus strand). Cytogenetic location: 8q24.3.
Variant type: single nucleotide variant.
Coding change: c.1324C>T on transcript NM_001363118.2 (MANE Select); coding-DNA position 1324, C replaced by T.
Protein change: p.Pro442Ser; replaces proline 442 with serine.
Molecular consequence: missense variant. On other transcripts: non-coding transcript variant (1).
Genome position (GRCh38, 1-based): chr8:144,361,001, C>T. VCF-style: chr8-144361001-C-T. GRCh37 (hg19) VCF-style: chr8-145584661-C-T.
Other names: c.1324C>T, p.Pro442Ser (NM_001253815.2, NM_001253816.2, NM_001363120.2 and 2 more transcripts); c.832C>T, p.Pro278Ser (NM_001363122.2); short protein forms P278S, P442S.
Identifiers: ClinVar variation 1469441 (VCV001469441.8), dbSNP rs2130653590, ClinGen allele CA372630509.

ClinVar aggregate classification (germline): Uncertain significance (1 of 4 stars; one submission).

Conditions:
Brown-Vialetto-van Laere syndrome 2. Also called: Riboflavin transporter deficiency type 2; SPINOCEREBELLAR ATAXIA WITH BLINDNESS AND DEAFNESS 2. Identifiers: Orphanet 572543, Orphanet 97229, MedGen C3553538, MONDO:0013867, OMIM 614707.

Allele frequency attached by ClinVar (database versions not stated): gnomAD exomes below 0.00001.
gnomAD v4.1: 4 of 1,612,994 alleles (0.00025%); highest among the groups gnomAD compares: Non-Finnish European, 0.00034%; no homozygotes.

Submission:

Labcorp Genetics (formerly Invitae), Labcorp
Classification: Uncertain significance for Brown-Vialetto-van Laere syndrome 2. Last evaluated: 2021-04-05. Review status: criteria provided, single submitter. Criteria: Invitae Variant Classification Sherloc (09022015). Collection method: clinical testing. Allele origin: germline.
Comment: In summary, the available evidence is currently insufficient to determine the role of this variant in disease. Therefore, it has been classified as a Variant of Uncertain Significance. Advanced modeling of protein sequence and biophysical properties (such as structural, functional, and spatial information, amino acid conservation, physicochemical variation, residue mobility, and thermodynamic stability) performed at Invitae indicates that this missense variant is not expected to disrupt SLC52A2 protein function. This variant has not been reported in the literature in individuals with SLC52A2-related conditions. This variant is not present in population databases (ExAC no frequency). This sequence change replaces proline with serine at codon 442 of the SLC52A2 protein (p.Pro442Ser). The proline residue is weakly conserved and there is a moderate physicochemical difference between proline and serine.